The following is an entry in ClinVar:

ClinVar aggregate classification (germline): Pathogenic (1 of 4 stars; one submission).

Submission:

Labcorp Genetics (formerly Invitae), Labcorp
Classification: Pathogenic. Last evaluated: 2020-07-07. Review status: criteria provided, single submitter. Criteria: Invitae Variant Classification Sherloc (09022015). Collection method: clinical testing. Allele origin: germline.
Comment: This sequence change creates a premature translational stop signal (p.Lys1209Serfs*3) in the LRPPRC gene. It is expected to result in an absent or disrupted protein product. This variant is not present in population databases (ExAC no frequency). This variant has not been reported in the literature in individuals with LRPPRC-related conditions. Loss-of-function variants in LRPPRC are known to be pathogenic (PMID: 26510951). For these reasons, this variant has been classified as Pathogenic.

Literature cited by the submitters: PubMed 26510951.

NM_133259.4(LRPPRC):c.3626_3627del (p.Lys1209fs)

Gene: LRPPRC (leucine rich pentatricopeptide repeat containing; minus strand). Cytogenetic location: 2p21.
Variant type: Deletion.
Coding change: c.3626_3627del on transcript NM_133259.4 (MANE Select); coding-DNA positions 3626 to 3627, 2 bases deleted (AA; older notation c.3626_3627delAA).
Protein change: p.Lys1209fs; shifts the reading frame from lysine 1209.
Molecular consequence: frameshift variant.
Genome position (GRCh38, 1-based): chr2:43,899,548-43,899,549, TT deleted on the plus strand (AA on the coding strand, the reverse complement: LRPPRC is on the minus strand); deleting any 2 consecutive bases within chr2:43,899,548-43,899,550 gives the same sequence; the c. name uses the placement nearest the transcript's 3' end. VCF-style (leftmost placement, unchanged base first): chr2-43899547-CTT-C. GRCh37 (hg19) VCF-style: chr2-44126686-CTT-C.
Other names: short protein forms K1209fs.
Identifiers: ClinVar variation 1071132 (VCV001071132.7), dbSNP rs2104989966, ClinGen allele CA2499215952.